The following is an entry in ClinVar:

ClinVar aggregate classification (germline): Uncertain significance. Review status: criteria provided, multiple submitters, no conflicts (2 of 4 stars). 3 submissions from 3 submitters: Uncertain significance (3). Last evaluated 2024-11-19.

Conditions:
Marfan syndrome (MFS). Also called: MARFAN SYNDROME, TYPE I; Marfan syndrome type 1; Marfan's syndrome; Marfan syndrome, classic; FBN1-Related Marfan Syndrome. Identifiers: Orphanet 284963, Orphanet 558, MedGen C0024796, MONDO:0007947, OMIM 154700.
Familial thoracic aortic aneurysm and aortic dissection (TAAD). Also called: Thoracic aortic aneurysms and dissections. Identifiers: Orphanet 91387, MedGen C4707243, MONDO:0019625.

gnomAD v4.1: 5 of 1,614,238 alleles (0.00031%); highest among the groups gnomAD compares: Non-Finnish European, 0.00042%; no homozygotes.

Submissions (3):

Labcorp Genetics (formerly Invitae), Labcorp
Classification: Uncertain significance for Marfan syndrome; Familial thoracic aortic aneurysm and aortic dissection. Last evaluated: 2024-11-19. Review status: criteria provided, single submitter. Criteria: Invitae Variant Classification Sherloc (09022015). Collection method: clinical testing. Allele origin: germline.
Comment: This sequence change replaces histidine, which is basic and polar, with arginine, which is basic and polar, at codon 1144 of the FBN1 protein (p.His1144Arg). This variant is not present in population databases (gnomAD no frequency). This variant has not been reported in the literature in individuals affected with FBN1-related conditions. ClinVar contains an entry for this variant (Variation ID: 2931261). Invitae Evidence Modeling of protein sequence and biophysical properties (such as structural, functional, and spatial information, amino acid conservation, physicochemical variation, residue mobility, and thermodynamic stability) indicates that this missense variant is expected to disrupt FBN1 protein function with a positive predictive value of 80%. In summary, the available evidence is currently insufficient to determine the role of this variant in disease. Therefore, it has been classified as a Variant of Uncertain Significance.

Color Diagnostics, LLC DBA Color Health
Classification: Uncertain significance for Familial thoracic aortic aneurysm and aortic dissection. Last evaluated: 2024-08-05. Review status: criteria provided, single submitter. Criteria: ACMG Guidelines, 2015. Collection method: clinical testing. Allele origin: germline.
Comment: This missense variant replaces histidine with arginine at codon 1144 of the FBN1 protein. Computational prediction tools indicate that this variant has a deleterious impact on protein structure and function. To our knowledge, functional studies have not been reported for this variant. This variant has not been reported in individuals affected with FBN1-related disorders in the literature. This variant has not been identified in the general population by the Genome Aggregation Database (gnomAD). The available evidence is insufficient to determine the role of this variant in disease conclusively. Therefore, this variant is classified as a Variant of Uncertain Significance.

GeneDx
Classification: Uncertain significance. Last evaluated: 2023-07-06. Review status: criteria provided, single submitter. Criteria: GeneDx Variant Classification Process June 2021. Collection method: clinical testing. Allele origin: germline. Affected: yes.
Comment: Has not been previously published as pathogenic or benign to our knowledge; Not observed at significant frequency in large population cohorts (gnomAD); Although located in a calcium-binding EGF-like domain of the FBN1 gene, it does not affect a cysteine residue within this domain; cysteine substitutions in the calcium-binding EGF-like domains represent the majority of pathogenic missense changes associated with FBN1-related disorders (Collod-Beroud et al., 2003); In silico analysis supports that this missense variant has a deleterious effect on protein structure/function; This variant is associated with the following publications: (PMID: 12938084)

NM_000138.5(FBN1):c.3431A>G (p.His1144Arg)

Gene: FBN1 (fibrillin 1; minus strand). Cytogenetic location: 15q21.1.
Variant type: single nucleotide variant.
Coding change: c.3431A>G on transcript NM_000138.5 (MANE Select); coding-DNA position 3431, A replaced by G.
Protein change: p.His1144Arg; replaces histidine 1144 with arginine.
Molecular consequence: missense variant.
Genome position (GRCh38, 1-based): chr15:48,487,344, T>C on the plus strand (A>G on the coding strand, the complement: FBN1 is on the minus strand). VCF-style: chr15-48487344-T-C. GRCh37 (hg19) VCF-style: chr15-48779541-T-C.
Other names: c.3431A>G, p.His1144Arg (NM_001406716.1); short protein forms H1144R.
Identifiers: ClinVar variation 2931261 (VCV002931261.5), dbSNP rs2505550134, ClinGen allele CA392326300.